The following is an entry in ClinVar:

NM_001364171.2(ODAD1):c.2028C>A (p.Ser676Arg)

Gene: ODAD1 (outer dynein arm docking complex subunit 1; minus strand). Cytogenetic location: 19q13.33.
Variant type: single nucleotide variant.
Coding change: c.2028C>A on transcript NM_001364171.2 (MANE Select); coding-DNA position 2028, C replaced by A.
Protein change: p.Ser676Arg; replaces serine 676 with arginine.
Molecular consequence: missense variant.
Genome position (GRCh38, 1-based): chr19:48,297,072, G>T on the plus strand (C>A on the coding strand, the complement: ODAD1 is on the minus strand). VCF-style: chr19-48297072-G-T. GRCh37 (hg19) VCF-style: chr19-48800329-G-T.
Other names: c.1917C>A, p.Ser639Arg (NM_144577.4); short protein forms S639R, S676R.
Identifiers: ClinVar variation 582012 (VCV000582012.12), dbSNP rs146521880, ClinGen allele CA9548498.
Genomic context (GRCh38, chr19:48,297,072, plus strand): 5'-GCCAGTGCTGGAGGCAGGGCCGGTGCTGGAGACGTGGTCTCTGCTGGACCCGAGGCCTCC[G>T]CTCGAATCAGACGCTGTGCCTCCGCTCTCCACACCACCCTCTGTGTTTTCTCCGCCCCTG-3'
Protein context (NP_001351100.1, residues 666-686): VESGGTASDS[Ser676Arg]GGLGSSRDHV

ClinVar aggregate classification (germline): Uncertain significance. Review status: criteria provided, multiple submitters, no conflicts (2 of 4 stars). 4 submissions from 4 submitters: Uncertain significance (4). Last evaluated 2026-07-21.

Conditions:
Primary ciliary dyskinesia. Also called: Ciliary dyskinesia. Identifiers: Orphanet 244, MedGen C0008780, MONDO:0016575, HP:0012265.

Allele frequency attached by ClinVar (database versions not stated): TOPMed 0.00006; ESP Exome Variant Server 0.00015.
gnomAD v4.1: 151 of 1,612,958 alleles (0.0094%); highest among the groups gnomAD compares: Non-Finnish European, 0.012%; no homozygotes.

Submissions (4):

GeneDx
Classification: Uncertain significance. Last evaluated: 2026-07-21. Review status: criteria provided, single submitter. Criteria: GeneDx Variant Classification Process June 2021. Collection method: clinical testing. Allele origin: germline.
Comment: In silico analysis suggests that this missense variant does not alter protein structure/function; Has not been previously published as pathogenic or benign to our knowledge

Ambry Genetics
Classification: Uncertain significance for Primary ciliary dyskinesia. Last evaluated: 2024-11-11. Review status: criteria provided, single submitter. Criteria: Ambry Variant Classification Scheme 2023. Collection method: clinical testing. Allele origin: germline.

Molecular Genetics McLendon Clinical Laboratories, University of North Carolina at Chapel Hill
Classification: Uncertain significance for Primary ciliary dyskinesia. Last evaluated: 2024-01-10. Review status: criteria provided, single submitter. Criteria: ACMG Guidelines, 2015. Collection method: clinical testing. Allele origin: germline.

Labcorp Genetics (formerly Invitae), Labcorp
Classification: Uncertain significance for Primary ciliary dyskinesia. Last evaluated: 2022-11-22. Review status: criteria provided, single submitter. Criteria: Invitae Variant Classification Sherloc (09022015). Collection method: clinical testing. Allele origin: germline.
Comment: Algorithms developed to predict the effect of missense changes on protein structure and function are either unavailable or do not agree on the potential impact of this missense change (SIFT: "Deleterious"; PolyPhen-2: "Probably Damaging"; Align-GVGD: "Class C0"). In summary, the available evidence is currently insufficient to determine the role of this variant in disease. Therefore, it has been classified as a Variant of Uncertain Significance. ClinVar contains an entry for this variant (Variation ID: 582012). This variant has not been reported in the literature in individuals affected with CCDC114-related conditions. This variant is present in population databases (rs146521880, gnomAD 0.02%). This sequence change replaces serine, which is neutral and polar, with arginine, which is basic and polar, at codon 639 of the CCDC114 protein (p.Ser639Arg).